The following is an entry in ClinVar:

NM_001286.5(CLCN6):c.1658A>G (p.Tyr553Cys)

Gene: CLCN6 (Cl-/H+ antiporter 6; plus strand). Cytogenetic location: 1p36.22.
Variant type: single nucleotide variant.
Coding change: c.1658A>G on transcript NM_001286.5 (MANE Select); coding-DNA position 1658, A replaced by G.
Protein change: p.Tyr553Cys; replaces tyrosine 553 with cysteine.
Molecular consequence: missense variant. On other transcripts: non-coding transcript variant (1).
Genome position (GRCh38, 1-based): chr1:11,834,367, A>G. VCF-style: chr1-11834367-A-G. GRCh37 (hg19) VCF-style: chr1-11894424-A-G.
Other names: c.1592A>G, p.Tyr531Cys (NM_001256959.2); short protein forms Y531C, Y553C.
Identifiers: ClinVar variation 974617 (VCV000974617.7), dbSNP rs1644918844, ClinGen allele CA338435953.

ClinVar aggregate classification (germline): Pathogenic. Review status: criteria provided, multiple submitters, no conflicts (2 of 4 stars). 3 submissions from 3 submitters: Pathogenic (2). 1 of the submissions does not count toward it. Last evaluated 2026-06-12.

Conditions:
Neuronal ceroid lipofuscinosis 15. Also called: Neurodegeneration, childhood-onset, hypotonia, respiratory insufficiency and brain imaging abnormalities; Neurodegeneration, childhood-onset, with hypotonia, respiratory insufficiency, and brain imaging abnormalities. Identifiers: Orphanet 610573, MedGen C5543020, MONDO:0030947, OMIM 619173.
Global developmental delay (DD). Also called: Cognitive delay. Identifiers: MedGen C0557874, HP:0001263. Disease mechanism: loss of function.
Abnormality of the respiratory system. Identifiers: MedGen C4018871, HP:0002086.
Abnormal speech pattern. Also called: Speech impairment; Neurological speech impairment. Identifiers: MedGen C3687424, HP:0002167.
Abnormality of vision. Identifiers: MedGen C4025846, HP:0000504.
Abnormality of the skin. Identifiers: MedGen C5848159, HP:0000951.
Neurogenic bladder. Identifiers: MedGen C0005697, HP:0000011.
EEG abnormality. Also called: Electroencephalogram (EEG) abnormalities; EEG abnormalities. Identifiers: MedGen C0151611, HP:0002353.
Motor delay. Also called: Motor Developmental Delay; Motor retardation. Identifiers: MedGen C1854301, HP:0001270.
Feeding difficulties. Also called: Poor feeding. Identifiers: MedGen C0232466, HP:0011968.
Movement disorder. Also called: Movement disorders; Abnormality of movement. Identifiers: MedGen C0026650, MONDO:0005395, HP:0100022.
Abnormality of temperature regulation. Identifiers: MedGen C1832160, HP:0004370.
Hypotonia. Also called: poor muscle tone; Muscular hypotonia. Identifiers: MedGen C0026827, HP:0001252.

Submissions (3):

Undiagnosed Diseases Network, NIH
Classification: Pathogenic for Neuronal ceroid lipofuscinosis 15. Last evaluated: 2026-06-12. Review status: criteria provided, single submitter. Criteria: ACMG Guidelines, 2015. Collection method: clinical testing. Allele origin: de novo. Inheritance: Autosomal dominant inheritance. Affected: yes. Observed: 1 variant allele, 1 heterozygote. Study: Undiagnosed Diseases Network (NIH), UDN.
Comment: Functional studies (PMID: 38095064, PMID: 33217309) show a gain‑of‑function effect.

Tartaglia Lab, Genetics and Rare Diseases Research Division, Bambino Gesu' Children's Hospital
Classification: Pathogenic for Global developmental delay; Motor delay; Abnormal speech pattern; Hypotonia; Movement disorder; EEG abnormality; Neurogenic bladder; Abnormality of temperature regulation; Abnormality of vision; Abnormality of the respiratory system; Abnormality of the skin; Feeding difficulties. Last evaluated: 2020-07-01. Review status: criteria provided, single submitter. Criteria: ACMG Guidelines, 2015. Collection method: research. Allele origin: de novo. Affected: yes.

OMIM
Classification: Pathogenic for CEROID LIPOFUSCINOSIS, NEURONAL, 15. Last evaluated: 2024-09-03. Review status: no assertion criteria provided. Collection method: literature only. Allele origin: germline. Not counted in ClinVar's aggregate classification.

Literature cited by the submitters: PubMed 38095064 (cited by Undiagnosed Diseases Network, NIH); PubMed 33217309 (cited by Undiagnosed Diseases Network, NIH and OMIM).